The following is an entry in ClinVar:

NM_000478.6(ALPL):c.862G>C (p.Gly288Arg)

Gene: ALPL (alkaline phosphatase, biomineralization associated; plus strand). Cytogenetic location: 1p36.12.
Variant type: single nucleotide variant.
Coding change: c.862G>C on transcript NM_000478.6 (MANE Select); coding-DNA position 862, G replaced by C.
Protein change: p.Gly288Arg; replaces glycine 288 with arginine.
Molecular consequence: missense variant.
Genome position (GRCh38, 1-based): chr1:21,570,374, G>C. VCF-style: chr1-21570374-G-C. GRCh37 (hg19) VCF-style: chr1-21896867-G-C.
Other names: c.697G>C, p.Gly233Arg (NM_001127501.4); c.631G>C, p.Gly211Arg (NM_001177520.3); c.862G>C, p.Gly288Arg (NM_001369803.2, NM_001369804.2, NM_001369805.2); short protein forms G211R, G233R, G288R.
Identifiers: ClinVar variation 4704687 (VCV004704687.1).

ClinVar aggregate classification (germline): Uncertain significance (1 of 4 stars; one submission).

gnomAD v4.1: 2 of 1,613,944 alleles (0.00012%); highest among the groups gnomAD compares: Non-Finnish European, 0.00017%; no homozygotes.

Submission:

Labcorp Genetics (formerly Invitae), Labcorp
Classification: Uncertain significance. Last evaluated: 2025-09-08. Review status: criteria provided, single submitter. Criteria: Invitae Variant Classification Sherloc (09022015). Collection method: clinical testing. Allele origin: germline.
Comment: This sequence change replaces glycine, which is neutral and non-polar, with arginine, which is basic and polar, at codon 288 of the ALPL protein (p.Gly288Arg). This variant also falls at the last nucleotide of exon 8, which is part of the consensus splice site for this exon. This variant is not present in population databases (gnomAD no frequency). This missense change has been observed in individual(s) with hypophosphatasia (internal data). An algorithm developed to predict the effect of missense changes on protein structure and function (PolyPhen-2) suggests that this variant is likely to be disruptive. Variants that disrupt the consensus splice site are a relatively common cause of aberrant splicing (PMID: 17576681, 9536098). This variant disrupts the p.Gly288 amino acid residue in ALPL. Other variant(s) that disrupt this residue have been observed in individuals with ALPL-related conditions (PMID: 35068125; internal data), which suggests that this may be a clinically significant amino acid residue. In summary, the available evidence is currently insufficient to determine the role of this variant in disease. Therefore, it has been classified as a Variant of Uncertain Significance.

Literature cited by the submitters: PubMed 17576681; PubMed 9536098; PubMed 35068125.